The following is an entry in ClinVar:

ClinVar aggregate classification (germline): Pathogenic (1 of 4 stars; one submission).

Submission:

Labcorp Genetics (formerly Invitae), Labcorp
Classification: Pathogenic. Last evaluated: 2023-05-19. Review status: criteria provided, single submitter. Criteria: Invitae Variant Classification Sherloc (09022015). Collection method: clinical testing. Allele origin: unknown.
Comment: This variant has not been reported in the literature in individuals affected with CEP152-related conditions. For these reasons, this variant has been classified as Pathogenic. This variant is a gross deletion of the genomic region encompassing exon(s) 18-21 of the CEP152 gene. This deletion is out-of-frame, and is expected to create a premature termination codon and result in an absent or disrupted protein product. Loss-of-function variants in CEP152 are known to be pathogenic (PMID: 21131973).

Literature cited by the submitters: PubMed 21131973.

NC_000015.9:g.(?_49044526)_(49054889_?)del

Gene: CEP152 (centrosomal protein 152; minus strand). Cytogenetic location: 15q21.1.
Variant type: Deletion.
Identifiers: ClinVar variation 3243888 (VCV003243888.1).